The following is an entry in ClinVar:

ClinVar aggregate classification (germline): Conflicting classifications of pathogenicity. Review status: criteria provided, conflicting classifications (1 of 4 stars). 3 submissions from 3 submitters: Likely pathogenic (2); Uncertain significance (1). Last evaluated 2025-06-16.

Conditions:
Glycine encephalopathy 1 (GCE1). Identifiers: MedGen CN376801, MONDO:0958179, OMIM 605899.

gnomAD v4.1: 1 of 1,610,418 alleles (0.000062%); highest among the groups gnomAD compares: Non-Finnish European, 0.000085%; no homozygotes.

Submissions (3):

First Genomix Gene Laboratory, Genetic Diagnostics Department
Classification: Likely pathogenic for Glycine encephalopathy 1. Last evaluated: 2025-06-16. Review status: criteria provided, single submitter. Criteria: ACMG Guidelines, 2015. Collection method: clinical testing. Allele origin: germline. Inheritance: Autosomal recessive inheritance. Affected: no. Observed: 1 variant allele.

Women's Health and Genetics/Laboratory Corporation of America, LabCorp
Classification: Uncertain significance. Last evaluated: 2024-04-01. Review status: criteria provided, single submitter. Criteria: LabCorp Variant Classification Summary - May 2015. Collection method: clinical testing. Allele origin: germline.

Kariminejad - Najmabadi Pathology & Genetics Center
Classification: Likely pathogenic for Glycine encephalopathy 1. Review status: criteria provided, single submitter. Criteria: ACMG Guidelines, 2015. Collection method: clinical testing. Allele origin: germline. Affected: no.

NM_000170.3(GLDC):c.1651A>G (p.Ser551Gly)

Gene: GLDC (glycine decarboxylase; minus strand). Cytogenetic location: 9p24.1.
Variant type: single nucleotide variant.
Coding change: c.1651A>G on transcript NM_000170.3 (MANE Select); coding-DNA position 1651, A replaced by G.
Protein change: p.Ser551Gly; replaces serine 551 with glycine.
Molecular consequence: missense variant.
Genome position (GRCh38, 1-based): chr9:6,588,632, T>C on the plus strand (A>G on the coding strand, the complement: GLDC is on the minus strand). VCF-style: chr9-6588632-T-C. GRCh37 (hg19) VCF-style: chr9-6588632-T-C.
Other names: short protein forms S551G.
Identifiers: ClinVar variation 3251616 (VCV003251616.3), dbSNP rs1818316493.